The following is an entry in ClinVar:

ClinVar aggregate classification (germline): Uncertain significance (1 of 4 stars; one submission).

Submission:

Women's Health and Genetics/Laboratory Corporation of America, LabCorp
Classification: Uncertain significance. Last evaluated: 2025-06-23. Review status: criteria provided, single submitter. Criteria: LabCorp Variant Classification Summary - May 2015. Collection method: clinical testing. Allele origin: germline.
Comment: Variant summary: TK2 c.619-18_619-15delCTTG alters nucleotides located at a position not widely known to affect splicing. Several computational tools predict a significant impact on normal splicing: One predict the variant no significant impact on splicing. Three predict the variant weakens the canonical 3' acceptor site. Two predict the variant strengthens a cryptic 3' acceptor site. However, these predictions have yet to be confirmed by functional studies. The variant was absent in 250552 control chromosomes. The available data on variant occurrences in the general population are insufficient to allow any conclusion about variant significance. To our knowledge, no occurrence of c.619-18_619-15delCTTG in individuals affected with Mitochondrial DNA Depletion Syndrome - TK2 Related and no experimental evidence demonstrating its impact on protein function have been reported. No submitters have cited clinical-significance assessments for this variant to ClinVar. Based on the evidence outlined above, the variant was classified as uncertain significance.

NM_004614.5(TK2):c.619-18_619-15del

Gene: TK2 (thymidine kinase 2; minus strand). Cytogenetic location: 16q21.
Variant type: Deletion.
Coding change: c.619-18_619-15del on transcript NM_004614.5 (MANE Select); 18 bases into the intron before coding-DNA position 619 through 15 bases into the intron before coding-DNA position 619, 4 bases deleted (CTTG; older notation c.619-18_619-15delCTTG).
Molecular consequence: intron variant.
Genome position (GRCh38, 1-based): chr16:66,513,826-66,513,829, CAAG deleted on the plus strand (CTTG on the coding strand, the reverse complement: TK2 is on the minus strand); deleting any 4 consecutive bases within chr16:66,513,826-66,513,831 gives the same sequence; the c. name uses the placement nearest the transcript's 3' end. VCF-style (leftmost placement, unchanged base first): chr16-66513825-ACAAG-A. GRCh37 (hg19) VCF-style: chr16-66547728-ACAAG-A.
Other names: c.357-18_357-15del (NM_001271935.1); c.526-18_526-15del (NM_001172643.1); c.544-18_544-15del (NM_001172644.2); c.565-18_565-15del (NM_001172645.2); c.472-18_472-15del (NM_001271934.2); c.328-18_328-15del (NM_001272050.2); c.619-18_619-15delCTTG (NM_004614.5).
Identifiers: ClinVar variation 3907579 (VCV003907579.1).